The following is an entry in ClinVar:

NM_171998.4(RAB39B):c.350T>C (p.Val117Ala)

Gene: RAB39B (RAB39B, member RAS oncogene family; minus strand). Cytogenetic location: Xq28.
Variant type: single nucleotide variant.
Coding change: c.350T>C on transcript NM_171998.4 (MANE Select); coding-DNA position 350, T replaced by C.
Protein change: p.Val117Ala; replaces valine 117 with alanine.
Molecular consequence: missense variant.
Genome position (GRCh38, 1-based): chrX:155,261,095, A>G on the plus strand (T>C on the coding strand, the complement: RAB39B is on the minus strand). VCF-style: chrX-155261095-A-G. GRCh37 (hg19) VCF-style: chrX-154490380-A-G.
Other names: short protein forms V117A.
Identifiers: ClinVar variation 436461 (VCV000436461.9), dbSNP rs957747020, ClinGen allele CA337216768.

ClinVar aggregate classification (germline): Conflicting classifications of pathogenicity. Review status: criteria provided, conflicting classifications (1 of 4 stars). 4 submissions from 4 submitters: Uncertain significance (3); Likely benign (1). Last evaluated 2025-12-08.

Conditions:
RAB39B-related disorder. Also called: RAB39B-related condition.

Allele frequency attached by ClinVar (database versions not stated): gnomAD exomes below 0.00001 and 0.00001; TOPMed below 0.00001; gnomAD 0.00001.
gnomAD v4.1: 5 of 1,209,759 alleles (0.00041%); highest among the groups gnomAD compares: Non-Finnish European, 0.00056%; no homozygotes.

Submissions (4):

Labcorp Genetics (formerly Invitae), Labcorp
Classification: Likely benign. Last evaluated: 2025-12-08. Review status: criteria provided, single submitter. Criteria: Invitae Variant Classification Sherloc (09022015). Collection method: clinical testing. Allele origin: germline.

PreventionGenetics, part of Exact Sciences
Classification: Uncertain significance for RAB39B-related condition. Last evaluated: 2025-06-25. Review status: criteria provided, single submitter. Criteria: ACMG Guidelines, 2015. Collection method: clinical testing. Allele origin: germline.
Comment: The RAB39B c.350T>C variant is predicted to result in the amino acid substitution p.Val117Ala. To our knowledge, this variant has not been reported in the literature. This variant is reported in 0.0012% of alleles in individuals of European (Non-Finnish) descent in gnomAD. At this time, the clinical significance of this variant is uncertain due to the absence of conclusive functional and genetic evidence.

Blueprint Genetics
Classification: Uncertain significance. Last evaluated: 2024-01-18. Review status: criteria provided, single submitter. Criteria: ACMG Guidelines, 2015. Collection method: clinical testing. Allele origin: germline.

Genetic Services Laboratory, University of Chicago
Classification: Uncertain significance. Last evaluated: 2016-06-03. Review status: criteria provided, single submitter. Criteria: ACMG Guidelines, 2015. Collection method: clinical testing. Allele origin: germline. Affected: no.